The following is an entry in ClinVar:

NM_000090.4(COL3A1):c.4215T>C (p.Asn1405=)

Gene: COL3A1 (collagen type III alpha 1 chain; plus strand). Cytogenetic location: 2q32.2.
Variant type: single nucleotide variant.
Coding change: c.4215T>C on transcript NM_000090.4 (MANE Select); coding-DNA position 4215, T replaced by C.
Protein change: p.Asn1405=; no amino-acid change (asparagine 1405 retained).
Molecular consequence: synonymous variant.
Genome position (GRCh38, 1-based): chr2:189,010,851, T>C. VCF-style: chr2-189010851-T-C. GRCh37 (hg19) VCF-style: chr2-189875577-T-C.
Identifiers: ClinVar variation 519608 (VCV000519608.8), dbSNP rs1553509938, ClinGen allele CA430314358.
Genomic context (GRCh38, chr2:189,010,851, plus strand): 5'-TGTAAAGAAGGCCCTGAAGCTGATGGGGTCAAATGAAGGTGAATTCAAGGCTGAAGGAAA[T>C]AGCAAATTCACCTACACAGTTCTGGAGGATGGTTGCACGGTAGGAAACATTTTTCTCAAT-3'
Protein context (NP_000081.2, residues 1395-1415): SNEGEFKAEG[Asn1405=]SKFTYTVLED

ClinVar aggregate classification (germline): Likely benign. Review status: criteria provided, multiple submitters, no conflicts (2 of 4 stars). 3 submissions from 3 submitters: Likely benign (3). Last evaluated 2024-06-11.

Conditions:
Ehlers-Danlos syndrome, type 4 (EDSVASC). Also called: Ehlers-Danlos syndrome vascular type; Ehlers Danlos syndrome, ecchymotic type; Ehlers Danlos syndrome, arterial type; Ehlers Danlos syndrome, Sack-Barabas type; Ehlers-Danlos Syndrome Type IV. Identifiers: Orphanet 286, MedGen C0268338, MONDO:0017314, OMIM 130050.
Familial thoracic aortic aneurysm and aortic dissection (TAAD). Also called: Thoracic aortic aneurysms and dissections. Identifiers: Orphanet 91387, MedGen C4707243, MONDO:0019625.

Allele frequency attached by ClinVar (database versions not stated): gnomAD exomes below 0.00001.

Submissions (3):

All of Us Research Program, National Institutes of Health
Classification: Likely benign for Ehlers-Danlos syndrome, type 4. Last evaluated: 2024-06-11. Review status: criteria provided, single submitter. Criteria: ACMG Guidelines, 2015. Collection method: clinical testing. Allele origin: germline. Inheritance: Autosomal dominant inheritance. Observed: 1 variant allele, 1 heterozygote.
Comment: This study involves interpretation of variants in research participants for the purpose of population health screening. Participant phenotype was not available at the time of variant classification. Additional details can be found in publication PMID: 35346344, PMCID: PMC8962531

Color Diagnostics, LLC DBA Color Health
Classification: Likely benign for Familial thoracic aortic aneurysm and aortic dissection. Last evaluated: 2019-01-07. Review status: criteria provided, single submitter. Criteria: ACMG Guidelines, 2015. Collection method: clinical testing. Allele origin: germline.

Ambry Genetics
Classification: Likely benign for Familial thoracic aortic aneurysm and aortic dissection. Last evaluated: 2016-12-05. Review status: criteria provided, single submitter. Criteria: Ambry Variant Classification Scheme 2023. Collection method: clinical testing. Allele origin: germline.